The following is an entry in ClinVar:

ClinVar aggregate classification (germline): Uncertain significance. Review status: criteria provided, multiple submitters, no conflicts (2 of 4 stars). 2 submissions from 2 submitters: Uncertain significance (2). Last evaluated 2025-12-17.

Conditions:
Familial adenomatous polyposis 2. Also called: Adenomas, multiple colorectal; MUTYH Polyposis; COLORECTAL ADENOMATOUS POLYPOSIS, AUTOSOMAL RECESSIVE; ADENOMAS, MULTIPLE COLORECTAL, AUTOSOMAL RECESSIVE; MUTYH-associated polyposis; MUTYH-related attenuated familial adenomatous polyposis. Identifiers: Orphanet 220460, Orphanet 247798, MedGen C3272841, MONDO:0012041, OMIM 608456.
Hereditary cancer-predisposing syndrome. Also called: Neoplastic Syndromes, Hereditary; Tumor predisposition; Hereditary Cancer Syndrome; Hereditary neoplastic syndrome. Identifiers: Orphanet 140162, MedGen C0027672, MeSH D009386, MONDO:0015356.

Submissions (2):

Ambry Genetics
Classification: Uncertain significance for Hereditary cancer-predisposing syndrome. Last evaluated: 2025-12-17. Review status: criteria provided, single submitter. Criteria: Ambry Variant Classification Scheme 2023. Collection method: clinical testing. Allele origin: germline.
Comment: The c.919_920delCGinsAT variant (also known as p.R307M), located in coding exon 10 of the MUTYH gene, results from an in-frame deletion of CG and insertion of AT at nucleotide positions 919 to 920. This results in the substitution of the arginine residue for a methionine residue at codon 307, an amino acid with similar properties. This amino acid position is not well conserved in available vertebrate species. In addition, the in silico prediction for this alteration is inconclusive (Choi Y et al. PLoS ONE. 2012; 7(10):e46688). Since supporting evidence is limited at this time, the clinical significance of this alteration remains unclear.

Labcorp Genetics (formerly Invitae), Labcorp
Classification: Uncertain significance for Familial adenomatous polyposis 2. Last evaluated: 2021-11-10. Review status: criteria provided, single submitter. Criteria: Invitae Variant Classification Sherloc (09022015). Collection method: clinical testing. Allele origin: germline.
Comment: This sequence change replaces arginine, which is basic and polar, with methionine, which is neutral and non-polar, at codon 307 of the MUTYH protein (p.Arg307Met). Information on the frequency of this variant in the gnomAD database is not available, as this variant may be reported differently in the database. This variant has not been reported in the literature in individuals affected with MUTYH-related conditions. ClinVar contains an entry for this variant (Variation ID: 940446). Algorithms developed to predict the effect of missense changes on protein structure and function are either unavailable or do not agree on the potential impact of this missense change (SIFT: "Not Available"; PolyPhen-2: "Benign"; Align-GVGD: "Not Available"). In summary, the available evidence is currently insufficient to determine the role of this variant in disease. Therefore, it has been classified as a Variant of Uncertain Significance.

NM_001048174.2(MUTYH):c.835_836delinsAT (p.Arg279Met)

Gene: MUTYH (mutY DNA glycosylase; minus strand). Cytogenetic location: 1p34.1.
Variant type: Indel.
Coding change: c.835_836delinsAT on transcript NM_001048174.2 (MANE Select); coding-DNA positions 835 to 836, CG replaced by AT.
Protein change: p.Arg279Met; replaces arginine 279 with methionine.
Molecular consequence: missense variant. On other transcripts: non-coding transcript variant (2).
Genome position (GRCh38, 1-based): chr1:45,332,179-45,332,180, CG replaced by AT on the plus strand (CG replaced by AT on the coding strand, the reverse complement: MUTYH is on the minus strand). VCF-style: chr1-45332179-CG-AT. GRCh37 (hg19) VCF-style: chr1-45797851-CG-AT.
Other names: c.919_920delCGinsAT (NM_001128425.1); c.835_836delinsAT, p.Arg279Met (NM_001048171.2, NM_001048173.2, NM_001293195.2); c.838_839delinsAT, p.Arg280Met (NM_001048172.2); c.919_920delinsAT, p.Arg307Met (NM_001128425.2); c.880_881delinsAT, p.Arg294Met (NM_001293190.2); c.868_869delinsAT, p.Arg290Met (NM_001293191.2); c.559_560delinsAT, p.Arg187Met (NM_001293192.2, NM_001293196.2); c.490_491delinsAT, p.Arg164Met (NM_001350650.2, NM_001350651.2); and 1 more; short protein forms R187M, R279M, R304M, R164M, R290M, R307M, R280M, R294M.
Identifiers: ClinVar variation 940446 (VCV000940446.10), dbSNP rs1645019518, ClinGen allele CA1139655517.
Genomic context (GRCh38, chr1:45,332,179, plus strand): 5'-GAGTCACTCCTTAGGACTTCTCACTGCCCCTTCCCCAGTAGGCTTACTCTCTGGCGTGCC[CG>AT]GCACAGGCTCTCCACAGGGCACTGGCTGCACAGTGGGCGCTGTGGGGTACACACTGTGGC-3'
Protein context (NP_001041639.1, residues 269-289): CSQCPVESLC[Arg279Met]ARQRVEQEQL